The following is an entry in ClinVar:

ClinVar aggregate classification (germline): Pathogenic (1 of 4 stars; one submission).

Conditions:
Griscelli syndrome type 2 (GS2). Also called: PAID SYNDROME; PARTIAL ALBINISM AND IMMUNODEFICIENCY SYNDROME; GRISCELLI SYNDROME WITH HEMOPHAGOCYTIC SYNDROME. Identifiers: Orphanet 381, Orphanet 79477, MedGen C1868679, MONDO:0011872, OMIM 607624.

Submission:

Labcorp Genetics (formerly Invitae), Labcorp
Classification: Pathogenic for Griscelli syndrome type 2. Last evaluated: 2022-03-16. Review status: criteria provided, single submitter. Criteria: Invitae Variant Classification Sherloc (09022015). Collection method: clinical testing. Allele origin: germline.
Comment: This sequence change creates a premature translational stop signal (p.Lys154*) in the RAB27A gene. While this is not anticipated to result in nonsense mediated decay, it is expected to disrupt the last 68 amino acid(s) of the RAB27A protein. This variant is not present in population databases (gnomAD no frequency). This variant has not been reported in the literature in individuals affected with RAB27A-related conditions. This variant disrupts a region of the RAB27A protein in which other variant(s) (p.Arg184*) have been determined to be pathogenic (PMID: 10835631, 15475639, 18397837, 19030707, 19953648, 25071262, 25500851). This suggests that this is a clinically significant region of the protein, and that variants that disrupt it are likely to be disease-causing. For these reasons, this variant has been classified as Pathogenic.

Literature cited by the submitters: PubMed 10835631; PubMed 15475639; PubMed 18397837; PubMed 19030707; PubMed 19953648; PubMed 25071262; PubMed 25500851.

NM_183235.3(RAB27A):c.460A>T (p.Lys154Ter)

Gene: RAB27A (RAB27A, member RAS oncogene family; minus strand). Cytogenetic location: 15q21.3.
Variant type: single nucleotide variant.
Coding change: c.460A>T on transcript NM_183235.3 (MANE Select); coding-DNA position 460, A replaced by T.
Protein change: p.Lys154Ter; replaces lysine 154 with a stop codon.
Molecular consequence: nonsense.
Genome position (GRCh38, 1-based): chr15:55,223,896, T>A on the plus strand (A>T on the coding strand, the complement: RAB27A is on the minus strand). VCF-style: chr15-55223896-T-A. GRCh37 (hg19) VCF-style: chr15-55516094-T-A.
Other names: c.460A>T, p.Lys154Ter (NM_004580.5, NM_183234.3, NM_183236.3); short protein forms K154*.
Identifiers: ClinVar variation 1453208 (VCV001453208.6), dbSNP rs2140958324, ClinGen allele CA392529482.